The following is an entry in ClinVar:

NM_025114.4(CEP290):c.5032G>C (p.Asp1678His)

Gene: CEP290 (centrosomal protein 290; minus strand). Cytogenetic location: 12q21.32.
Variant type: single nucleotide variant.
Coding change: c.5032G>C on transcript NM_025114.4 (MANE Select); coding-DNA position 5032, G replaced by C.
Protein change: p.Asp1678His; replaces aspartic acid 1678 with histidine.
Molecular consequence: missense variant.
Genome position (GRCh38, 1-based): chr12:88,080,376, C>G on the plus strand (G>C on the coding strand, the complement: CEP290 is on the minus strand). VCF-style: chr12-88080376-C-G. GRCh37 (hg19) VCF-style: chr12-88474153-C-G.
Other names: short protein forms D1678H.
Identifiers: ClinVar variation 2129724 (VCV002129724.4), dbSNP rs2499913826, ClinGen allele CA385991597.

ClinVar aggregate classification (germline): Uncertain significance (1 of 4 stars; one submission).

Conditions:
Joubert syndrome. Also called: CEREBELLOPARENCHYMAL DISORDER IV; JOUBERT-BOLTSHAUSER SYNDROME; Familial aplasia of the vermis. Identifiers: Orphanet 475, MedGen C5979921, MONDO:0018772.
Nephronophthisis. Also called: Juvenile Nephronophthisis. Identifiers: Orphanet 655, MedGen C0687120, MONDO:0019005, HP:0000090.
Meckel-Gruber syndrome. Also called: DYSENCEPHALIA SPLANCHNOCYSTICA; GRUBER SYNDROME; Dysencephalia splachnocystica. Identifiers: Orphanet 564, MedGen C0265215, MONDO:0018921.

Submission:

Labcorp Genetics (formerly Invitae), Labcorp
Classification: Uncertain significance for Joubert syndrome; Meckel-Gruber syndrome; Nephronophthisis. Last evaluated: 2022-04-23. Review status: criteria provided, single submitter. Criteria: Invitae Variant Classification Sherloc (09022015). Collection method: clinical testing. Allele origin: germline.
Comment: This sequence change replaces aspartic acid, which is acidic and polar, with histidine, which is basic and polar, at codon 1678 of the CEP290 protein (p.Asp1678His). This variant is not present in population databases (gnomAD no frequency). This variant has not been reported in the literature in individuals affected with CEP290-related conditions. Algorithms developed to predict the effect of missense changes on protein structure and function (SIFT, PolyPhen-2, Align-GVGD) all suggest that this variant is likely to be tolerated. In summary, the available evidence is currently insufficient to determine the role of this variant in disease. Therefore, it has been classified as a Variant of Uncertain Significance.